The following is an entry in ClinVar:

NM_001170629.2(CHD8):c.1123_1124del (p.Leu375fs)

Gene: CHD8 (chromodomain helicase DNA binding protein 8; minus strand). Cytogenetic location: 14q11.2.
Variant type: Microsatellite.
Coding change: c.1123_1124del on transcript NM_001170629.2 (MANE Select); coding-DNA positions 1123 to 1124, 2 bases deleted (CT; older notation c.1123_1124delCT).
Protein change: p.Leu375fs; shifts the reading frame from leucine 375.
Molecular consequence: frameshift variant.
Genome position (GRCh38, 1-based): chr14:21,429,055-21,429,056, AG deleted on the plus strand (CT on the coding strand, the reverse complement: CHD8 is on the minus strand); deleting any 2 consecutive bases within chr14:21,429,055-21,429,058 gives the same sequence; the c. name uses the placement nearest the transcript's 3' end. VCF-style (leftmost placement, unchanged base first): chr14-21429054-CAG-C. GRCh37 (hg19) VCF-style: chr14-21897213-CAG-C.
Other names: c.286_287del, p.Leu96fs (NM_020920.4); short protein forms L375fs, L96fs.
Identifiers: ClinVar variation 4868908 (VCV004868908.1).

ClinVar aggregate classification (germline): Pathogenic (1 of 4 stars; one submission).

Conditions:
Inborn genetic diseases. Identifiers: MedGen C0950123, MeSH D030342.

Submission:

Ambry Genetics
Classification: Pathogenic for Inborn genetic diseases. Last evaluated: 2026-03-20. Review status: criteria provided, single submitter. Criteria: Ambry Variant Classification Scheme 2023. Collection method: clinical testing. Allele origin: germline.
Comment: The c.1123_1124delCT (p.L375Vfs*45) alteration, located in exon 2 (coding exon 2) of the CHD8 gene, consists of a deletion of 2 nucleotides from position 1123 to 1124, causing a translational frameshift with a predicted alternate stop codon after 45 amino acids. This variant is expected to result in loss of function by premature protein truncation or nonsense-mediated mRNA decay. This variant was not reported in population-based cohorts in the Genome Aggregation Database (gnomAD). Based on the available evidence, this alteration is classified as pathogenic.